The following is an entry in ClinVar:

ClinVar aggregate classification (germline): Uncertain significance (1 of 4 stars; one submission).

Conditions:
Cardiovascular phenotype. Identifiers: MedGen CN230736.

Allele frequency attached by ClinVar (database versions not stated): gnomAD exomes 0.00001 and 0.00002; ExAC 0.00002.
gnomAD v4.1: 8 of 1,613,552 alleles (0.0005%); highest among the groups gnomAD compares: Non-Finnish European, 0.00068%; no homozygotes.

Submission:

Ambry Genetics
Classification: Uncertain significance for Cardiovascular phenotype. Last evaluated: 2018-08-29. Review status: criteria provided, single submitter. Criteria: Ambry Variant Classification Scheme 2023. Collection method: clinical testing. Allele origin: germline.
Comment: The p.I73M variant (also known as c.219A>G), located in coding exon 4 of the DSG2 gene, results from an A to G substitution at nucleotide position 219. The isoleucine at codon 73 is replaced by methionine, an amino acid with highly similar properties. Another alteration affecting this amino acid, p.I73V (c.217A>G), was detected in an arrhythmogenic right ventricular cardiomyopathy (ARVC) cohort, but clinical details were not provided (Bhuiyan ZA. Circ Cardiovasc Genet. 2009;2(5):418-27). This amino acid position is well conserved in available vertebrate species. In addition, the in silico prediction for this alteration is inconclusive. Since supporting evidence is limited at this time, the clinical significance of this alteration remains unclear.

Literature cited by the submitters: PubMed 20031616.

NM_001943.5(DSG2):c.219A>G (p.Ile73Met)

Gene: DSG2 (desmoglein 2; plus strand). Cytogenetic location: 18q12.1.
Variant type: single nucleotide variant.
Coding change: c.219A>G on transcript NM_001943.5 (MANE Select); coding-DNA position 219, A replaced by G.
Protein change: p.Ile73Met; replaces isoleucine 73 with methionine.
Molecular consequence: missense variant.
Genome position (GRCh38, 1-based): chr18:31,520,805, A>G. VCF-style: chr18-31520805-A-G. GRCh37 (hg19) VCF-style: chr18-29100768-A-G.
Other names: c.219A>G (LRG_397t1); short protein forms I73M.
Identifiers: ClinVar variation 518623 (VCV000518623.5), dbSNP rs748445394, ClinGen allele CA045168.